The following is an entry in ClinVar:

NM_005120.3(MED12):c.4662C>A (p.Thr1554=)

Gene: MED12 (mediator complex subunit 12; plus strand). Cytogenetic location: Xq13.1.
Variant type: single nucleotide variant.
Coding change: c.4662C>A on transcript NM_005120.3 (MANE Select); coding-DNA position 4662, C replaced by A.
Protein change: p.Thr1554=; no amino-acid change (threonine 1554 retained).
Molecular consequence: synonymous variant.
Genome position (GRCh38, 1-based): chrX:71,134,401, C>A. VCF-style: chrX-71134401-C-A. GRCh37 (hg19) VCF-style: chrX-70354251-C-A.
Identifiers: ClinVar variation 2807537 (VCV002807537.5), dbSNP rs2147820972, ClinGen allele CA516726487.

ClinVar aggregate classification (germline): Likely benign. Review status: criteria provided, multiple submitters, no conflicts (2 of 4 stars). 2 submissions from 2 submitters: Likely benign (2). Last evaluated 2026-04-01.

Conditions:
FG syndrome (FGS). Identifiers: MedGen C0220769, MONDO:0002010.

Submissions (2):

CeGaT Center for Human Genetics Tuebingen
Classification: Likely benign. Last evaluated: 2026-04-01. Review status: criteria provided, single submitter. Criteria: CeGaT Center For Human Genetics Tuebingen Variant Classification Criteria Version 2. Collection method: clinical testing. Allele origin: germline. Affected: yes. Observed: 1 variant allele.
Comment: MED12: PM2:Supporting, BP4, BP7

Labcorp Genetics (formerly Invitae), Labcorp
Classification: Likely benign for FG syndrome. Last evaluated: 2023-10-24. Review status: criteria provided, single submitter. Criteria: Invitae Variant Classification Sherloc (09022015). Collection method: clinical testing. Allele origin: germline.